The following is an entry in ClinVar:

ClinVar aggregate classification (germline): Uncertain significance. Review status: criteria provided, multiple submitters, no conflicts (2 of 4 stars). 3 submissions from 3 submitters: Uncertain significance (3). Last evaluated 2024-07-03.

Conditions:
Hereditary cancer-predisposing syndrome. Also called: Neoplastic Syndromes, Hereditary; Tumor predisposition; Hereditary Cancer Syndrome; Hereditary neoplastic syndrome. Identifiers: Orphanet 140162, MedGen C0027672, MeSH D009386, MONDO:0015356.
Familial cancer of breast. Also called: BREAST CANCER, FAMILIAL; Hereditary breast cancer; hereditary breast carcinoma. Identifiers: Orphanet 227535, MedGen C0346153, MONDO:0016419, OMIM 114480. Disease mechanism: loss of function.

Allele frequency attached by ClinVar (database versions not stated): gnomAD exomes below 0.00001.
gnomAD v4.1: 2 of 1,613,760 alleles (0.00012%); highest among the groups gnomAD compares: Admixed American, 0.0033%; no homozygotes.

Submissions (3):

Quest Diagnostics Nichols Institute San Juan Capistrano
Classification: Uncertain significance. Last evaluated: 2024-07-03. Review status: criteria provided, single submitter. Criteria: Quest Diagnostics criteria. Collection method: clinical testing. Allele origin: unknown.
Comment: The CHEK2 c.86A>C (p.Gln29Pro) variant has not been reported in individuals with CHEK2-related conditions in the published literature. The frequency of this variant in the general population, 0.000004 (1/249506 chromosomes (Genome Aggregation Database)), is uninformative in the assessment of its pathogenicity. Analysis of this variant using bioinformatics tools for the prediction of the effect of amino acid changes on protein structure and function yielded predictions that this variant is benign. Based on the available information, we are unable to determine the clinical significance of this variant.

Labcorp Genetics (formerly Invitae), Labcorp
Classification: Uncertain significance for Familial cancer of breast. Last evaluated: 2022-07-06. Review status: criteria provided, single submitter. Criteria: Invitae Variant Classification Sherloc (09022015). Collection method: clinical testing. Allele origin: germline.
Comment: This variant has not been reported in the literature in individuals affected with CHEK2-related conditions. This variant is present in population databases (no rsID available, gnomAD 0.003%). This sequence change replaces glutamine, which is neutral and polar, with proline, which is neutral and non-polar, at codon 29 of the CHEK2 protein (p.Gln29Pro). ClinVar contains an entry for this variant (Variation ID: 924789). In summary, the available evidence is currently insufficient to determine the role of this variant in disease. Therefore, it has been classified as a Variant of Uncertain Significance. Algorithms developed to predict the effect of missense changes on protein structure and function output the following: SIFT: "Deleterious"; PolyPhen-2: "Benign"; Align-GVGD: "Class C0". The proline amino acid residue is found in multiple mammalian species, which suggests that this missense change does not adversely affect protein function.

Color Diagnostics, LLC DBA Color Health
Classification: Uncertain significance for Hereditary cancer-predisposing syndrome. Last evaluated: 2022-05-31. Review status: criteria provided, single submitter. Criteria: ACMG Guidelines, 2015. Collection method: clinical testing. Allele origin: germline.
Comment: This missense variant replaces glutamine with proline at codon 29 of the CHEK2 protein. Computational prediction suggests that this variant may not impact protein structure and function (internally defined REVEL score threshold <= 0.5, PMID: 27666373). To our knowledge, functional studies have not been reported for this variant. This variant has not been reported in individuals affected with hereditary cancer in the literature. This variant has been identified in 1/249506 chromosomes in the general population by the Genome Aggregation Database (gnomAD). The available evidence is insufficient to determine the role of this variant in disease conclusively. Therefore, this variant is classified as a Variant of Uncertain Significance.

NM_007194.4(CHEK2):c.86A>C (p.Gln29Pro)

Gene: CHEK2 (checkpoint kinase 2; minus strand). Cytogenetic location: 22q12.1.
Variant type: single nucleotide variant.
Coding change: c.86A>C on transcript NM_007194.4 (MANE Select); coding-DNA position 86, A replaced by C.
Protein change: p.Gln29Pro; replaces glutamine 29 with proline.
Molecular consequence: missense variant.
Genome position (GRCh38, 1-based): chr22:28,734,636, T>G on the plus strand (A>C on the coding strand, the complement: CHEK2 is on the minus strand). VCF-style: chr22-28734636-T-G. GRCh37 (hg19) VCF-style: chr22-29130624-T-G.
Other names: c.86A>C, p.Gln29Pro (NM_001005735.3, NM_001349956.3, NM_145862.3); c.-692A>C (NM_001257387.3); short protein forms Q29P.
Identifiers: ClinVar variation 924789 (VCV000924789.9), dbSNP rs876660019, ClinGen allele CA411091598.